The following is an entry in ClinVar:

NM_032119.4(ADGRV1):c.13034G>A (p.Gly4345Asp)

Gene: ADGRV1 (adhesion G protein-coupled receptor V1; plus strand). Cytogenetic location: 5q14.3.
Variant type: single nucleotide variant.
Coding change: c.13034G>A on transcript NM_032119.4 (MANE Select); coding-DNA position 13034, G replaced by A.
Protein change: p.Gly4345Asp; replaces glycine 4345 with aspartic acid.
Molecular consequence: missense variant. On other transcripts: non-coding transcript variant (1).
Genome position (GRCh38, 1-based): chr5:90,779,049, G>A. VCF-style: chr5-90779049-G-A. GRCh37 (hg19) VCF-style: chr5-90074866-G-A.
Other names: c.13034G>A (NM_032119.3); short protein forms G4345D.
Identifiers: ClinVar variation 1063284 (VCV001063284.12), dbSNP rs559638690, ClinGen allele CA3341408.
Genomic context (GRCh38, chr5:90,779,049, plus strand): 5'-AAGCAGGGGAGATGAGGAAAAGTCTGCATGTTGAAATCCTTGATGATGACTATCCTGAAG[G>A]CCCAGAGGAATTTTCTCTAACAATTACAAAGGTGGAACTCCAGGGAAGGTAAAGGAGAAA-3'
Protein context (NP_115495.3, residues 4335-4355): VEILDDDYPE[Gly4345Asp]PEEFSLTITK

ClinVar aggregate classification (germline): Conflicting classifications of pathogenicity. Review status: criteria provided, conflicting classifications (1 of 4 stars). 4 submissions from 4 submitters: Uncertain significance (3); Likely benign (1). Last evaluated 2026-01-19.

Conditions:
ADGRV1-related disorder. Also called: ADGRV1-related condition; ADGRV1-related disorders.
Inborn genetic diseases. Identifiers: MedGen C0950123, MeSH D030342.

Allele frequency attached by ClinVar (database versions not stated): TOPMed below 0.00001; gnomAD 0.00001; gnomAD exomes 0.00001 and 0.00002; ExAC 0.00003; 1000 Genomes Project 30x 0.00016; 1000 Genomes Project 0.00020.
gnomAD v4.1: 11 of 1,613,126 alleles (0.00068%); highest among the groups gnomAD compares: South Asian, 0.011%; no homozygotes.

Submissions (4):

Labcorp Genetics (formerly Invitae), Labcorp
Classification: Likely benign. Last evaluated: 2026-01-19. Review status: criteria provided, single submitter. Criteria: Invitae Variant Classification Sherloc (09022015). Collection method: clinical testing. Allele origin: germline.

Ambry Genetics
Classification: Uncertain significance for Inborn genetic diseases. Last evaluated: 2025-08-08. Review status: criteria provided, single submitter. Criteria: Ambry Variant Classification Scheme 2023. Collection method: clinical testing. Allele origin: germline.

PreventionGenetics, part of Exact Sciences
Classification: Uncertain significance for ADGRV1-related condition. Last evaluated: 2025-02-18. Review status: criteria provided, single submitter. Criteria: ACMG Guidelines, 2015. Collection method: clinical testing. Allele origin: germline.
Comment: The ADGRV1 c.13034G>A variant is predicted to result in the amino acid substitution p.Gly4345Asp. To our knowledge, this variant has not been reported in the literature. This variant is reported in 0.0098% of alleles in individuals of South Asian descent in gnomAD. At this time, the clinical significance of this variant is uncertain due to the absence of conclusive functional and genetic evidence.

Blueprint Genetics
Classification: Uncertain significance. Last evaluated: 2022-10-31. Review status: criteria provided, single submitter. Criteria: ACMG Guidelines, 2015. Collection method: clinical testing. Allele origin: germline.